The following is an entry in ClinVar:

ClinVar aggregate classification (germline): Uncertain significance (1 of 4 stars; one submission).

Conditions:
Inborn genetic diseases. Identifiers: MedGen C0950123, MeSH D030342.

gnomAD v4.1: 1 of 1,614,044 alleles (0.000062%); highest among the groups gnomAD compares: Non-Finnish European, 0.000085%; no homozygotes.

Submission:

Ambry Genetics
Classification: Uncertain significance for Inborn genetic diseases. Last evaluated: 2025-08-08. Review status: criteria provided, single submitter. Criteria: Ambry Variant Classification Scheme 2023. Collection method: clinical testing. Allele origin: germline.
Comment: The p.Q216H variant (also known as c.648G>C), located in coding exon 5 of the MECOM gene, results from a G to C substitution at nucleotide position 648. The glutamine at codon 216 is replaced by histidine, an amino acid with highly similar properties. This amino acid position is conserved. In addition, this alteration is predicted to be tolerated by in silico analysis. Based on the available evidence, the clinical significance of this variant remains unclear.

NM_004991.4(MECOM):c.648G>C (p.Gln216His)

Gene: MECOM (MDS1 and EVI1 complex locus; minus strand). Cytogenetic location: 3q26.2.
Variant type: single nucleotide variant.
Coding change: c.648G>C on transcript NM_004991.4 (MANE Select); coding-DNA position 648, G replaced by C.
Protein change: p.Gln216His; replaces glutamine 216 with histidine.
Molecular consequence: missense variant.
Genome position (GRCh38, 1-based): chr3:169,128,026, C>G on the plus strand (G>C on the coding strand, the complement: MECOM is on the minus strand). VCF-style: chr3-169128026-C-G. GRCh37 (hg19) VCF-style: chr3-168845814-C-G.
Other names: c.276G>C, p.Gln92His (NM_001105077.4); c.84G>C, p.Gln28His (NM_001105078.4, NM_001163999.2, NM_001164000.2 and 9 more transcripts); c.648G>C, p.Gln216His (NM_001366466.2, NM_001366473.2); short protein forms Q216H, Q28H, Q92H.
Identifiers: ClinVar variation 4105837 (VCV004105837.1).
Genomic context (GRCh38, chr3:169,128,026, plus strand): 5'-GTGAGGAGTACTGCATGGAAACTTTTGGTGATCTGCTAGTTCAGCCTTAGATTCAAAGAG[C>G]TGGTCACAGTCTTCGCAGCGATATTGCCGTTCTTCTGTGAAAACAATTCAGGTGTTAGGA-3'
Protein context (NP_004982.2, residues 206-226): ERQYRCEDCD[Gln216His]LFESKAELAD